The following is an entry in ClinVar:

NM_001164665.2(KIAA1549):c.4330A>G (p.Arg1444Gly)

Gene: KIAA1549 (KIAA1549; minus strand). Cytogenetic location: 7q34.
Variant type: single nucleotide variant.
Coding change: c.4330A>G on transcript NM_001164665.2 (MANE Select); coding-DNA position 4330, A replaced by G.
Protein change: p.Arg1444Gly; replaces arginine 1444 with glycine.
Molecular consequence: missense variant.
Genome position (GRCh38, 1-based): chr7:138,879,553, T>C on the plus strand (A>G on the coding strand, the complement: KIAA1549 is on the minus strand). VCF-style: chr7-138879553-T-C. GRCh37 (hg19) VCF-style: chr7-138564299-T-C.
Other names: c.4330A>G, p.Arg1444Gly (NM_020910.3); short protein forms R1444G.
Identifiers: ClinVar variation 1023696 (VCV001023696.8), dbSNP rs779226827, ClinGen allele CA4505942.
Genomic context (GRCh38, chr7:138,879,553, plus strand): 5'-TCATAGGGACTACTTTTAATGGGAAGAACCAGAAGAGTCACAGACCGCTCTGCGGAGCTC[T>C]GTGGGACCTGCCATCGTTGACGGCTCCCGGCGTCTTATCTCCTGCGTCCCTCTCGCTGGA-3'
Protein context (NP_001158137.1, residues 1434-1454): PGAVNDGRSH[Arg1444Gly]APQSGPPLPS

ClinVar aggregate classification (germline): Uncertain significance (1 of 4 stars; one submission).

Allele frequency attached by ClinVar (database versions not stated): gnomAD 0.00001; ExAC 0.00004.
gnomAD v4.1: 11 of 1,562,800 alleles (0.0007%); highest among the groups gnomAD compares: Non-Finnish European, 0.00095%; no homozygotes.

Submission:

Labcorp Genetics (formerly Invitae), Labcorp
Classification: Uncertain significance. Last evaluated: 2022-04-20. Review status: criteria provided, single submitter. Criteria: Invitae Variant Classification Sherloc (09022015). Collection method: clinical testing. Allele origin: germline.
Comment: In summary, the available evidence is currently insufficient to determine the role of this variant in disease. Therefore, it has been classified as a Variant of Uncertain Significance. Algorithms developed to predict the effect of missense changes on protein structure and function (SIFT, PolyPhen-2, Align-GVGD) all suggest that this variant is likely to be disruptive. ClinVar contains an entry for this variant (Variation ID: 1023696). This variant has not been reported in the literature in individuals affected with KIAA1549-related conditions. The frequency data for this variant in the population databases is considered unreliable, as metrics indicate poor data quality at this position in the gnomAD database. This sequence change replaces arginine, which is basic and polar, with glycine, which is neutral and non-polar, at codon 1444 of the KIAA1549 protein (p.Arg1444Gly).